The following is an entry in ClinVar:

ClinVar aggregate classification (germline): Benign/Likely benign. Review status: criteria provided, multiple submitters, no conflicts (2 of 4 stars). 3 submissions from 3 submitters: Benign (1); Likely benign (2). Last evaluated 2025-09-16.

Conditions:
Hereditary cancer-predisposing syndrome. Also called: Tumor predisposition; Hereditary neoplastic syndrome; Neoplastic Syndromes, Hereditary; Hereditary Cancer Syndrome. Identifiers: Orphanet 140162, MedGen C0027672, MeSH D009386, MONDO:0015356.
Oligodontia-cancer predisposition syndrome. Also called: TOOTH AGENESIS-COLORECTAL CANCER SYNDROME. Identifiers: Orphanet 300576, MedGen C1837750, MONDO:0012075, OMIM 608615. Disease mechanism: loss of function.

Allele frequency attached by ClinVar (database versions not stated): TOPMed below 0.00001; gnomAD 0.00001.
gnomAD v4.1: 2 of 1,587,650 alleles (0.00013%); highest among the groups gnomAD compares: South Asian, 0.0011%; no homozygotes.

Submissions (3):

Labcorp Genetics (formerly Invitae), Labcorp
Classification: Likely benign for Oligodontia-cancer predisposition syndrome. Last evaluated: 2025-09-16. Review status: criteria provided, single submitter. Criteria: Invitae Variant Classification Sherloc (09022015). Collection method: clinical testing. Allele origin: germline.

Myriad Genetics, Inc.
Classification: Benign for Oligodontia-cancer predisposition syndrome. Last evaluated: 2024-07-02. Review status: criteria provided, single submitter. Criteria: Myriad Autosomal Dominant, Autosomal Recessive and X-Linked Classification Criteria (2023). Collection method: clinical testing. Allele origin: unknown.
Comment: This variant is considered benign. This variant is a silent/synonymous amino acid change and it is not expected to impact splicing.

Ambry Genetics
Classification: Likely benign for Hereditary cancer-predisposing syndrome. Last evaluated: 2023-02-10. Review status: criteria provided, single submitter. Criteria: Ambry Variant Classification Scheme 2023. Collection method: clinical testing. Allele origin: germline.

NM_004655.4(AXIN2):c.1257G>A (p.Thr419=)

Gene: AXIN2 (axin 2; minus strand). Cytogenetic location: 17q24.1.
Variant type: single nucleotide variant.
Coding change: c.1257G>A on transcript NM_004655.4 (MANE Select); coding-DNA position 1257, G replaced by A.
Protein change: p.Thr419=; no amino-acid change (threonine 419 retained).
Molecular consequence: synonymous variant.
Genome position (GRCh38, 1-based): chr17:65,537,779, C>T on the plus strand (G>A on the coding strand, the complement: AXIN2 is on the minus strand). VCF-style: chr17-65537779-C-T. GRCh37 (hg19) VCF-style: chr17-63533897-C-T.
Other names: c.1257G>A (NM_004655.3); c.1257G>A, p.Thr419= (NM_001363813.1).
Identifiers: ClinVar variation 1616131 (VCV001616131.11), dbSNP rs1415397819, ClinGen allele CA501691343.